The following continues an entry in ClinVar:

NM_000435.3(NOTCH3):c.505C>T (p.Arg169Cys)

Gene: NOTCH3. ClinVar aggregate classification (germline): Pathogenic/Likely pathogenic. Pathogenic (18); Likely pathogenic (1).

Submissions 12 to 21 of 21:

Women's Health and Genetics/Laboratory Corporation of America, LabCorp
Classification: Pathogenic for NOTCH3-Related Disorders. Last evaluated: 2024-07-23. Review status: criteria provided, single submitter. Criteria: LabCorp Variant Classification Summary - May 2015. Collection method: clinical testing. Allele origin: germline.
Comment: Variant summary: NOTCH3 c.505C>T (p.Arg169Cys) results in a non-conservative amino acid change in the encoded protein sequence. Five of five in-silico tools predict a damaging effect of the variant on protein function. The variant was absent in 247840 control chromosomes. c.505C>T has been reported in the literature in multiple individuals affected with NOTCH3-Related Disorders (example, Thijs_2003, Mukai_2020). These data indicate that the variant is very likely to be associated with disease. At least one publication reports experimental evidence, which suggests this variant may affect protein function in a knock-in mouse model (Wallays_2011). The following publications have been ascertained in the context of this evaluation (PMID: 21940951, 32277177, 12754354). ClinVar contains an entry for this variant (Variation ID: 9219). Based on the evidence outlined above, the variant was classified as pathogenic.

Institute of Immunology and Genetics Kaiserslautern
Classification: Likely pathogenic for Cerebral arteriopathy, autosomal dominant, with subcortical infarcts and leukoencephalopathy, type 1. Last evaluated: 2023-01-05. Review status: criteria provided, single submitter. Criteria: ACMG Guidelines, 2015. Collection method: clinical testing. Allele origin: germline. Affected: yes.
Comment: ACMG Criteria: PM2, PP3, PS3, PP5; Variant was found in heterozygous state.

Athena Diagnostics
Classification: Pathogenic. Last evaluated: 2022-11-15. Review status: criteria provided, single submitter. Criteria: Athena Diagnostics Criteria. Collection method: clinical testing. Allele origin: unknown.
Comment: This variant has been identified in multiple unrelated individuals with CADASIL. This variant has not been reported in large, multi-ethnic general populations. This variant alters a critical location within the protein, and is expected to severely affect function and cause disease. Greater than 90% of NOTCH3 pathogenic variants associated with CADASIL involve the gain or loss of a cysteine residue within the epidermal growth factor (EGF)-like repeat domain (PMID: 32457593, 20301673).

MGZ Medical Genetics Center
Classification: Pathogenic for Cerebral arteriopathy, autosomal dominant, with subcortical infarcts and leukoencephalopathy, type 1. Last evaluated: 2022-09-07. Review status: criteria provided, single submitter. Criteria: ACMG Guidelines, 2015. Collection method: clinical testing. Allele origin: germline. Affected: yes. Observed: 2 variant alleles.
Comment: ACMG criteria applied: PS3, PS4, PM1_STR, PM2_SUP, PP1, PP3

Dasa
Classification: Pathogenic for Cerebral arteriopathy, autosomal dominant, with subcortical infarcts and leukoencephalopathy, type 1. Last evaluated: 2022-03-05. Review status: criteria provided, single submitter. Criteria: ACMG Guidelines, 2015. Collection method: clinical testing. Allele origin: germline. Affected: yes. Observed: 1 variant allele.
Comment: Well-established in vitro or in vivo functional studies supportive of a damaging effect on the gene or gene product (PMID: 24425116) - The c.505C>T;p.(Arg169Cys) missense variant has been observed in affected individual(s) and ClinVar contains an entry for this variant (ClinVar ID: 9219; PMID: 28334938; PMID: 25412914) - PS4. The variant is located in a mutational hot spot and/or critical and well-established functional domain (EGF_CA; hEGF) - PM1. This variant is not present in population databases (rs28933696- gnomAD; ABraOM no frequency) - PM2. The variant co-segregated with disease in multiple affected family members (PMID: 25412914) - PP1. Multiple lines of computational evidence support a deleterious effect on the gene or gene product - PP3. In summary, the currently available evidence indicates that the variant is pathogenic.

Institute of Medical Genetics and Applied Genomics, University Hospital Tübingen
Classification: Pathogenic. Last evaluated: 2021-09-15. Review status: criteria provided, single submitter. Criteria: ACMG Guidelines, 2015. Collection method: clinical testing. Allele origin: germline. Inheritance: Autosomal dominant inheritance. Affected: yes.

Fulgent Genetics
Classification: Pathogenic for Cerebral arteriopathy, autosomal dominant, with subcortical infarcts and leukoencephalopathy, type 1; Lateral meningocele syndrome; Myofibromatosis, infantile, 2. Last evaluated: 2021-07-28. Review status: criteria provided, single submitter. Criteria: ACMG Guidelines, 2015. Collection method: clinical testing. Allele origin: unknown.

Institute of Human Genetics, University of Leipzig Medical Center
Classification: Pathogenic for Cerebral arteriopathy, autosomal dominant, with subcortical infarcts and leukoencephalopathy, type 1. Last evaluated: 2018-01-16. Review status: criteria provided, single submitter. Criteria: ACMG Guidelines, 2015. Collection method: clinical testing. Allele origin: germline. Affected: yes. Observed: 1 variant allele.

OMIM
Classification: Pathogenic for CEREBRAL ARTERIOPATHY, AUTOSOMAL DOMINANT, WITH SUBCORTICAL INFARCTS AND LEUKOENCEPHALOPATHY, TYPE 1. Last evaluated: 1997-11-22. Review status: no assertion criteria provided. Collection method: literature only. Allele origin: germline. Not counted in ClinVar's aggregate classification.

NIHR Bioresource Rare Diseases, University of Cambridge
Classification: Likely pathogenic for Migraine without aura; Stroke disorder. Review status: no assertion criteria provided. Collection method: research. Allele origin: unknown. Affected: yes. Observed: 1 variant allele. Not counted in ClinVar's aggregate classification.

Literature cited by the submitters: PubMed 12754354 (cited by 3 submitters); PubMed 25412914 (cited by 4 submitters); PubMed 28334938 (cited by 3 submitters); PubMed 21940951 (cited by 4 submitters); PubMed 24425116 (cited by 3 submitters); PubMed 31418856 (cited by Mayo Clinic Laboratories, Mayo Clinic and Athena Diagnostics); PubMed 32555735 (cited by Mayo Clinic Laboratories, Mayo Clinic); PubMed 34335700 (cited by Mayo Clinic Laboratories, Mayo Clinic and Athena Diagnostics); PubMed 9388399 (cited by Mayo Clinic Laboratories, Mayo Clinic and OMIM); PubMed 32277177 (cited by Women's Health and Genetics/Laboratory Corporation of America, LabCorp and Athena Diagnostics); PubMed 32581362 (cited by Athena Diagnostics and NIHR Bioresource Rare Diseases, University of Cambridge); PubMed 8878478 (cited by Athena Diagnostics and OMIM); PubMed 20071773 (cited by Athena Diagnostics); PubMed 15857853 (cited by Athena Diagnostics); PubMed 24886907 (cited by Athena Diagnostics); PubMed 15229130 (cited by Athena Diagnostics).